The following is an entry in ClinVar:

ClinVar aggregate classification (germline): Uncertain significance (1 of 4 stars; one submission).

Submission:

GeneDx
Classification: Uncertain significance. Last evaluated: 2025-06-24. Review status: criteria provided, single submitter. Criteria: GeneDx Variant Classification Process June 2021. Collection method: clinical testing. Allele origin: germline. Affected: yes.
Comment: Not observed at significant frequency in large population cohorts (gnomAD); In silico analysis supports that this missense variant has a deleterious effect on protein structure/function; Has not been previously published as pathogenic or benign to our knowledge

NM_003660.4(PPFIA3):c.2514G>C (p.Trp838Cys)

Gene: PPFIA3 (PPFI scaffold protein A3; plus strand). Cytogenetic location: 19q13.33.
Variant type: single nucleotide variant.
Coding change: c.2514G>C on transcript NM_003660.4 (MANE Select); coding-DNA position 2514, G replaced by C.
Protein change: p.Trp838Cys; replaces tryptophan 838 with cysteine.
Molecular consequence: missense variant. On other transcripts: non-coding transcript variant (1).
Genome position (GRCh38, 1-based): chr19:49,142,085, G>C. VCF-style: chr19-49142085-G-C. GRCh37 (hg19) VCF-style: chr19-49645342-G-C.
Other names: short protein forms W838C.
Identifiers: ClinVar variation 4540282 (VCV004540282.1).